The following is an entry in ClinVar:

NM_006852.6(TLK2):c.2241T>C (p.Ser747=)

Gene: TLK2 (tousled like kinase 2; plus strand). Cytogenetic location: 17q23.2.
Variant type: single nucleotide variant.
Coding change: c.2241T>C on transcript NM_006852.6 (MANE Select); coding-DNA position 2241, T replaced by C.
Protein change: p.Ser747=; no amino-acid change (serine 747 retained).
Molecular consequence: synonymous variant.
Genome position (GRCh38, 1-based): chr17:62,612,553, T>C. VCF-style: chr17-62612553-T-C. GRCh37 (hg19) VCF-style: chr17-60689914-T-C.
Other names: c.2307T>C, p.Ser769= (NM_001284333.3); c.2145T>C, p.Ser715= (NM_001284363.1, NM_001375272.1); c.1794T>C, p.Ser598= (NM_001330418.3, NM_001375273.1); c.2283T>C, p.Ser761= (NM_001375269.1); c.2241T>C, p.Ser747= (NM_001375270.1, NM_001375271.1); c.1956T>C, p.Ser652= (NM_001411074.1).
Identifiers: ClinVar variation 2648032 (VCV002648032.24), dbSNP rs1280686968, ClinGen allele CA501164840.

ClinVar aggregate classification (germline): Likely benign (1 of 4 stars; one submission).

Allele frequency attached by ClinVar (database versions not stated): gnomAD exomes 0.00001.
gnomAD v4.1: 13 of 1,612,642 alleles (0.00081%); highest among the groups gnomAD compares: Non-Finnish European, 0.00093%; no homozygotes.

Submission:

CeGaT Center for Human Genetics Tuebingen
Classification: Likely benign. Last evaluated: 2023-02-01. Review status: criteria provided, single submitter. Criteria: CeGaT Center For Human Genetics Tuebingen Variant Classification Criteria Version 2. Collection method: clinical testing. Allele origin: germline. Affected: yes. Observed: 2 variant alleles.
Comment: TLK2: BP4, BP7